The following is an entry in ClinVar:

NM_000540.3(RYR1):c.5084A>G (p.His1695Arg)

Gene: RYR1 (ryanodine receptor 1; plus strand). Cytogenetic location: 19q13.2.
Variant type: single nucleotide variant.
Coding change: c.5084A>G on transcript NM_000540.3 (MANE Select); coding-DNA position 5084, A replaced by G.
Protein change: p.His1695Arg; replaces histidine 1695 with arginine.
Molecular consequence: missense variant.
Genome position (GRCh38, 1-based): chr19:38,485,739, A>G. VCF-style: chr19-38485739-A-G. GRCh37 (hg19) VCF-style: chr19-38976379-A-G.
Other names: c.5084A>G, p.His1695Arg (NM_001042723.2); short protein forms H1695R.
Identifiers: ClinVar variation 4758475 (VCV004758475.1).

ClinVar aggregate classification (germline): Uncertain significance (1 of 4 stars; one submission).

Conditions:
Malignant hyperthermia, susceptibility to, 1 (MHS1). Also called: RYR1-Related Malignant Hyperthermia Susceptibility; Malignant hyperthermia suceptibility 1; Anesthesia related hyperthermia; Malignant hyperpyrexia; Fulminating hyperpyrexia; Pharmacogenic myopathy. Identifiers: Orphanet 423, MedGen C2930980, MONDO:0007783, OMIM 145600.

gnomAD v4.1: 29 of 1,612,676 alleles (0.0018%); highest among the groups gnomAD compares: Non-Finnish European, 0.0022%; no homozygotes.

Submission:

Color Diagnostics, LLC DBA Color Health
Classification: Uncertain significance for Malignant hyperthermia, susceptibility to, 1. Last evaluated: 2025-06-04. Review status: criteria provided, single submitter. Criteria: ACMG Guidelines, 2015. Collection method: clinical testing. Allele origin: germline.
Comment: This missense variant replaces histidine with arginine at codon 1695 of the RYR1 protein. Computational prediction is inconclusive regarding the impact of this variant on protein structure and function. To our knowledge, functional studies have not been reported for this variant. This variant has not been reported in individuals affected with RYR1-related disorders in the literature. This variant has not been identified in the general population by the Genome Aggregation Database (gnomAD). The available evidence is insufficient to determine the role of this variant in disease conclusively. Therefore, this variant is classified as a Variant of Uncertain Significance.